The following is an entry in ClinVar:

NM_001291415.2(KDM6A):c.3384del (p.Gly1129fs)

Gene: KDM6A (lysine demethylase 6A; plus strand). Cytogenetic location: Xp11.3.
Variant type: Deletion.
Coding change: c.3384del on transcript NM_001291415.2 (MANE Select); coding-DNA position 3384, one base deleted (A; older notation c.3384delA).
Protein change: p.Gly1129fs; shifts the reading frame from glycine 1129.
Molecular consequence: frameshift variant. On other transcripts: non-coding transcript variant (1).
Genome position (GRCh38, 1-based): chrX:45,082,733, A deleted; the last of 3 consecutive A bases (chrX:45,082,731-45,082,733); deleting any one gives the same sequence. VCF-style (leftmost placement, unchanged base first): chrX-45082730-GA-G. GRCh37 (hg19) VCF-style: chrX-44941975-GA-G.
Other names: c.3249del, p.Gly1084fs (NM_001291416.2); c.3093del, p.Gly1032fs (NM_001291417.2); c.2991del, p.Gly998fs (NM_001291418.2); c.2340del, p.Gly781fs (NM_001291421.2); c.3228del, p.Gly1077fs (NM_021140.4); short protein forms G1077fs, G781fs, G1129fs, G998fs, G1032fs, G1084fs.
Identifiers: ClinVar variation 1459416 (VCV001459416.6), dbSNP rs2148143831, ClinGen allele CA2573158885.

ClinVar aggregate classification (germline): Pathogenic (1 of 4 stars; one submission).

Conditions:
Kabuki syndrome 2 (KABUK2). Also called: KDM6A-Related Kabuki Syndrome. Identifiers: Orphanet 2322, MedGen C3275495, MONDO:0010465, OMIM 300867.

Submission:

Labcorp Genetics (formerly Invitae), Labcorp
Classification: Pathogenic for Kabuki syndrome 2. Last evaluated: 2021-03-24. Review status: criteria provided, single submitter. Criteria: Invitae Variant Classification Sherloc (09022015). Collection method: clinical testing. Allele origin: germline.
Comment: This variant is not present in population databases (ExAC no frequency). This variant has not been reported in the literature in individuals with KDM6A-related conditions. This sequence change creates a premature translational stop signal (p.Gly1077Aspfs*6) in the KDM6A gene. It is expected to result in an absent or disrupted protein product. Loss-of-function variants in KDM6A are known to be pathogenic (PMID: 23076834, 23913813). For these reasons, this variant has been classified as Pathogenic.

Literature cited by the submitters: PubMed 23076834; PubMed 23913813.